The following is an entry in ClinVar:

NM_000500.9(CYP21A2):c.[710T>A;719T>A]

Variant type: Haplotype.
Identifiers: ClinVar variation 1723343 (VCV001723343.1).

ClinVar aggregate classification (germline): Uncertain significance (1 of 4 stars; one submission).

Submission:

Women's Health and Genetics/Laboratory Corporation of America, LabCorp
Classification: Uncertain significance. Last evaluated: 2022-10-19. Review status: criteria provided, single submitter. Criteria: LabCorp Variant Classification Summary - May 2015. Collection method: clinical testing. Allele origin: germline.
Comment: Variant summary: CYP21A2 c.[710T>A;719T>A] (p.[Ile237Asn;Met240Lys]) variant is a complex allele and involves the alteration of multiple nucleotides. The allele frequency of this complex variant could not be determined from population databases such as gnomAD, because the individual variants of the complex have variable frequencies and the exact number of alleles representing a combination of the two in cis is unknown. However, based on the frequency of the least prevalent allele, namely c.710T>A, it can be estimated that the complex variant allele will be found at a frequency not to exceed 1.3e-05 in 150898 control chromosomes (gnomAD v3.1.2). p.I237N and p.M240K are found to be part of a recurrent cluster of 3 variants (I237N, V238E and M240K), which belongs to a group of common, pseudogene-derived mutations that are found in patients with classical CAH. This cluster of 3 variants is assumed to be transferred together from the CYP21A1P pseudogene to CYP21A2 in a continuous stretch of DNA (Robins_2005). To our knowledge, p.I237N and p.M240K have been reported in the literature as part of this cluster of 3 variants in individuals affected with Congenital Adrenal Hyperplasia (e.g. Higashi_1991, Barbat_1995, Chang_2011, Kirac_2014, Essawi_2020, Wang_2021). These reports do not provide unequivocal conclusions about association of the p.[Ile237Asn;Met240Lys] variant with Congenital Adrenal Hyperplasia. Experimental evidence evaluating an impact on protein function demonstrated that the p.I237N variant alone causes a severely reduced enzyme function, while the p.M240K variant alone had no effect on enzyme activity (Robins_2005). However, the functional effect of the two variants as part of a complex allele remains unknown. No clinical diagnostic laboratories have submitted clinical-significance assessments for this complex variant to ClinVar after 2014. Based on the evidence outlined above, the variant was classified as VUS-possibly pathogenic.

Literature cited by the submitters: PubMed 7749410; PubMed 15623806; PubMed 2249999; PubMed 1869518; PubMed 33864926; PubMed 21117955; PubMed 32614782; PubMed 25227725.